The following is an entry in ClinVar:

NM_000051.4(ATM):c.8595A>G (p.Ile2865Met)

Genes: ATM (ATM serine/threonine kinase; plus strand), C11orf65 (chromosome 11 open reading frame 65; minus strand). Cytogenetic location: 11q22.3.
Variant type: single nucleotide variant.
Coding change: c.8595A>G on transcript NM_000051.4 (MANE Select); coding-DNA position 8595, A replaced by G.
Protein change: p.Ile2865Met; replaces isoleucine 2865 with methionine.
Molecular consequence: missense variant. On other transcripts: intron variant (2).
Genome position (GRCh38, 1-based): chr11:108,347,289, A>G. VCF-style: chr11-108347289-A-G. GRCh37 (hg19) VCF-style: chr11-108218016-A-G.
Other names: c.641-38218T>C (NM_001330368.2); c.695-11997T>C (NM_001351110.2); c.8595A>G, p.Ile2865Met (NM_001351834.2); short protein forms I2865M.
Identifiers: ClinVar variation 1763960 (VCV001763960.2), dbSNP rs777245630, ClinGen allele CA382520402.
Genomic context (GRCh38, chr11:108,347,289, plus strand): 5'-GAAAGAGATGGAATCAGTGATTTCAGATTGTTTGTTTCTTTTTTCTCCAGTTGGTTACAT[A>G]CTTGGACTTGGTGATAGACATGTACAGAATATCTTGATAAATGAGCAGTCAGCAGAACTT-3'
Protein context (NP_000042.3, residues 2855-2875): SVATSSIVGY[Ile2865Met]LGLGDRHVQN

ClinVar aggregate classification (germline): Uncertain significance (1 of 4 stars; one submission).

Conditions:
Hereditary cancer-predisposing syndrome. Also called: Hereditary neoplastic syndrome; Neoplastic Syndromes, Hereditary; Tumor predisposition; Hereditary Cancer Syndrome. Identifiers: Orphanet 140162, MedGen C0027672, MeSH D009386, MONDO:0015356.

Submission:

Ambry Genetics
Classification: Uncertain significance for Hereditary cancer-predisposing syndrome. Last evaluated: 2021-05-10. Review status: criteria provided, single submitter. Criteria: Ambry Variant Classification Scheme 2023. Collection method: clinical testing. Allele origin: germline.
Comment: The p.I2865M variant (also known as c.8595A>G), located in coding exon 58 of the ATM gene, results from an A to G substitution at nucleotide position 8595. The isoleucine at codon 2865 is replaced by methionine, an amino acid with highly similar properties. This amino acid position is highly conserved in available vertebrate species. In addition, this alteration is predicted to be deleterious by in silico analysis. Since supporting evidence is limited at this time, the clinical significance of this alteration remains unclear.